The following is an entry in ClinVar:

NM_016004.5(IFT52):c.731A>G (p.Asp244Gly)

Gene: IFT52 (intraflagellar transport 52; plus strand). Cytogenetic location: 20q13.12.
Variant type: single nucleotide variant.
Coding change: c.731A>G on transcript NM_016004.5 (MANE Select); coding-DNA position 731, A replaced by G.
Protein change: p.Asp244Gly; replaces aspartic acid 244 with glycine.
Molecular consequence: missense variant.
Genome position (GRCh38, 1-based): chr20:43,620,888, A>G. VCF-style: chr20-43620888-A-G. GRCh37 (hg19) VCF-style: chr20-42249528-A-G.
Other names: c.731A>G, p.Asp244Gly (NM_001303458.3, NM_001303459.3); c.203A>G, p.Asp68Gly (NM_001323578.2, NM_001323580.2); c.80A>G, p.Asp27Gly (NM_001323579.2, NM_001323581.2); short protein forms D27G, D244G, D68G.
Identifiers: ClinVar variation 1916813 (VCV001916813.3), dbSNP rs772567125, ClinGen allele CA9866982.

ClinVar aggregate classification (germline): Uncertain significance (1 of 4 stars; one submission).

Allele frequency attached by ClinVar (database versions not stated): ExAC 0.00002; gnomAD exomes 0.00002; TOPMed 0.00003; gnomAD 0.00004.
gnomAD v4.1: 36 of 1,612,272 alleles (0.0022%); highest among the groups gnomAD compares: Middle Eastern, 0.016%; no homozygotes.

Submission:

Labcorp Genetics (formerly Invitae), Labcorp
Classification: Uncertain significance. Last evaluated: 2025-11-10. Review status: criteria provided, single submitter. Criteria: Invitae Variant Classification Sherloc (09022015). Collection method: clinical testing. Allele origin: germline.
Comment: This sequence change replaces aspartic acid, which is acidic and polar, with glycine, which is neutral and non-polar, at codon 244 of the IFT52 protein (p.Asp244Gly). This variant is present in population databases (rs772567125, gnomAD 0.003%). This variant has not been reported in the literature in individuals affected with IFT52-related conditions. ClinVar contains an entry for this variant (Variation ID: 1916813). Invitae Evidence Modeling of protein sequence and biophysical properties (such as structural, functional, and spatial information, amino acid conservation, physicochemical variation, residue mobility, and thermodynamic stability) indicates that this missense variant is not expected to disrupt IFT52 protein function with a negative predictive value of 80%. In summary, the available evidence is currently insufficient to determine the role of this variant in disease. Therefore, it has been classified as a Variant of Uncertain Significance.